The following is an entry in ClinVar:

ClinVar aggregate classification (germline): Likely pathogenic (1 of 4 stars; one submission).

Conditions:
NODAL-related disorder. Also called: NODAL-related condition; NODAL-related disorders. Identifiers: MedGen CN239298.

Submission:

Rady Children's Institute for Genomic Medicine, Rady Children's Hospital San Diego
Classification: Likely pathogenic for NODAL-related disorders. Review status: criteria provided, single submitter. Criteria: ACMG Guidelines, 2015. Collection method: clinical testing. Allele origin: germline. Affected: yes.
Comment: This nonsense variant found in exon 2 of 3 is predicted to result in loss of normal protein function through either protein truncation or nonsense-mediated mRNA decay (NMD). This variant has not been previously reported or functionally characterized in the literature to our knowledge. However, loss of function variants have been previously associated with NODAL-related disorders (PMID: 19064609, 19933292). The c.253C>T (p.Gln85Ter) variant is absent from the gnomAD population database and thus is presumed to be rare. Based on the available evidence, the c.253C>T (p.Gln85Ter) variant is classified as Likely Pathogenic.

NM_018055.5(NODAL):c.253C>T (p.Gln85Ter)

Gene: NODAL (nodal growth differentiation factor; minus strand). Cytogenetic location: 10q22.1.
Variant type: single nucleotide variant.
Coding change: c.253C>T on transcript NM_018055.5 (MANE Select); coding-DNA position 253, C replaced by T.
Protein change: p.Gln85Ter; replaces glutamine 85 with a stop codon.
Molecular consequence: nonsense. On other transcripts: 5 prime UTR variant (1).
Genome position (GRCh38, 1-based): chr10:70,435,924, G>A on the plus strand (C>T on the coding strand, the complement: NODAL is on the minus strand). VCF-style: chr10-70435924-G-A. GRCh37 (hg19) VCF-style: chr10-72195680-G-A.
Other names: c.-147C>T (NM_001329906.2); short protein forms Q85*.
Identifiers: ClinVar variation 2584455 (VCV002584455.1), dbSNP rs2493087333, ClinGen allele CA376946711.